The following is an entry in ClinVar:

ClinVar aggregate classification (germline): Uncertain significance. Review status: criteria provided, multiple submitters, no conflicts (2 of 4 stars). 2 submissions from 2 submitters: Uncertain significance (2). Last evaluated 2026-06-23.

Conditions:
FGFR3-related chondrodysplasia. Identifiers: Orphanet 93420, MedGen C5681604, MONDO:0019685.

Submissions (2):

Genomenon, Inc
Classification: Uncertain significance for FGFR3-related chondrodysplasia. Last evaluated: 2026-06-23. Review status: criteria provided, single submitter. Criteria: Genomenon Sequence Variant Interpretation Standards - Updated. Collection method: curation. Allele origin: germline. Affected: no.
Comment: FGFR3 p.Arg621Leu (c.1862G>T) is a missense variant that changes the amino acid at codon 621 from Arginine to Leucine. This variant has been reported in the published literature (PMID:38411226). It is absent or not present at a significant frequency in gnomAD. In silico models predict that this variant is possibly or probably damaging. In conclusion, we classify FGFR3 p.Arg621Leu (c.1862G>T) as a variant of uncertain significance.

GeneDx
Classification: Uncertain significance. Last evaluated: 2020-11-12. Review status: criteria provided, single submitter. Criteria: GeneDx Variant Classification Process June 2021. Collection method: clinical testing. Allele origin: germline. Affected: yes.
Comment: Not observed in large population cohorts (Lek et al., 2016); In silico analysis, which includes protein predictors and evolutionary conservation, supports a deleterious effect; Has not been previously published as pathogenic or benign to our knowledge

Literature cited by the submitters: PubMed 38411226 (cited by Genomenon, Inc).

NM_000142.5(FGFR3):c.1862G>T (p.Arg621Leu)

Gene: FGFR3 (fibroblast growth factor receptor 3; plus strand). Cytogenetic location: 4p16.3.
Variant type: single nucleotide variant.
Coding change: c.1862G>T on transcript NM_000142.5 (MANE Select); coding-DNA position 1862, G replaced by T.
Protein change: p.Arg621Leu; replaces arginine 621 with leucine.
Molecular consequence: missense variant. On other transcripts: non-coding transcript variant (1).
Genome position (GRCh38, 1-based): chr4:1,806,076, G>T. VCF-style: chr4-1806076-G-T. GRCh37 (hg19) VCF-style: chr4-1807803-G-T.
Other names: c.1868G>T, p.Arg623Leu (NM_001163213.2); c.1865G>T, p.Arg622Leu (NM_001354809.2, NM_001354810.2); c.1526G>T, p.Arg509Leu (NM_022965.4); short protein forms R509L, R621L, R622L, R623L.
Identifiers: ClinVar variation 1305323 (VCV001305323.3), dbSNP rs121913113, ClinGen allele CA355982310.